The following is an entry in ClinVar:

ClinVar aggregate classification (germline): Uncertain significance (1 of 4 stars; one submission).

Conditions:
Cardiomyopathy (CMYO). Also called: Cardiomyopathies. Identifiers: Orphanet 167848, MedGen C0878544, MONDO:0004994, HP:0001638. Inheritance: Various modes of inheritance.

Submission:

Color Diagnostics, LLC DBA Color Health
Classification: Uncertain significance for Cardiomyopathy. Last evaluated: 2023-12-04. Review status: criteria provided, single submitter. Criteria: ACMG Guidelines, 2015. Collection method: clinical testing. Allele origin: germline.
Comment: This missense variant replaces alanine with threonine at codon 1201 of the MYH7 protein. Computational prediction is inconclusive regarding the impact of this variant on protein structure and function. To our knowledge, functional studies have not been reported for this variant. This variant has not been reported in individuals affected with MYH7-related disorders in the literature. This variant has not been identified in the general population by the Genome Aggregation Database (gnomAD). The available evidence is insufficient to determine the role of this variant in disease conclusively. Therefore, this variant is classified as a Variant of Uncertain Significance.

NM_000257.4(MYH7):c.3601G>A (p.Ala1201Thr)

Gene: MYH7 (myosin heavy chain 7; minus strand). Cytogenetic location: 14q11.2.
Variant type: single nucleotide variant.
Coding change: c.3601G>A on transcript NM_000257.4 (MANE Select); coding-DNA position 3601, G replaced by A.
Protein change: p.Ala1201Thr; replaces alanine 1201 with threonine.
Molecular consequence: missense variant.
Genome position (GRCh38, 1-based): chr14:23,419,970, C>T on the plus strand (G>A on the coding strand, the complement: MYH7 is on the minus strand). VCF-style: chr14-23419970-C-T. GRCh37 (hg19) VCF-style: chr14-23889179-C-T.
Other names: c.3601G>A, p.Ala1201Thr (NM_001407004.1); short protein forms A1201T.
Identifiers: ClinVar variation 4758856 (VCV004758856.1).